The following is an entry in ClinVar:

ClinVar aggregate classification (germline): Uncertain significance (1 of 4 stars; one submission).

Conditions:
Dyskeratosis congenita. Identifiers: Orphanet 1775, MedGen C0265965, MONDO:0015780.

Allele frequency attached by ClinVar (database versions not stated): ExAC 0.00001; 1000 Genomes Project 30x 0.00016; 1000 Genomes Project 0.00020.
gnomAD v4.1: 5 of 1,613,512 alleles (0.00031%); highest among the groups gnomAD compares: African/African-American, 0.0053%; no homozygotes.

Submission:

Labcorp Genetics (formerly Invitae), Labcorp
Classification: Uncertain significance for Dyskeratosis congenita. Last evaluated: 2024-01-25. Review status: criteria provided, single submitter. Criteria: Invitae Variant Classification Sherloc (09022015). Collection method: clinical testing. Allele origin: germline.
Comment: This sequence change falls in intron 1 of the NHP2 gene. It does not directly change the encoded amino acid sequence of the NHP2 protein. It affects a nucleotide within the consensus splice site. This variant is present in population databases (rs548200272, gnomAD 0.008%). This variant has not been reported in the literature in individuals affected with NHP2-related conditions. Variants that disrupt the consensus splice site are a relatively common cause of aberrant splicing (PMID: 17576681, 9536098). Algorithms developed to predict the effect of sequence changes on RNA splicing suggest that this variant is not likely to affect RNA splicing. In summary, the available evidence is currently insufficient to determine the role of this variant in disease. Therefore, it has been classified as a Variant of Uncertain Significance.

Literature cited by the submitters: PubMed 17576681; PubMed 9536098.

NM_017838.4(NHP2):c.160+5G>C

Gene: NHP2 (NHP2 ribonucleoprotein; minus strand). Cytogenetic location: 5q35.3.
Variant type: single nucleotide variant.
Coding change: c.160+5G>C on transcript NM_017838.4 (MANE Select); 5 bases into the intron after coding-DNA position 160, G replaced by C.
Molecular consequence: intron variant.
Genome position (GRCh38, 1-based): chr5:178,153,653, C>G on the plus strand (G>C on the coding strand, the complement: NHP2 is on the minus strand). VCF-style: chr5-178153653-C-G. GRCh37 (hg19) VCF-style: chr5-177580654-C-G.
Other names: c.160+5G>C (NM_001034833.2, NM_001396110.1).
Identifiers: ClinVar variation 2915095 (VCV002915095.3), dbSNP rs548200272, ClinGen allele CA3589274.